The following is an entry in ClinVar:

NM_021922.3(FANCE):c.751A>G (p.Ile251Val)

Gene: FANCE (FA complementation group E; plus strand). Cytogenetic location: 6p21.31.
Variant type: single nucleotide variant.
Coding change: c.751A>G on transcript NM_021922.3 (MANE Select); coding-DNA position 751, A replaced by G.
Protein change: p.Ile251Val; replaces isoleucine 251 with valine.
Molecular consequence: missense variant.
Genome position (GRCh38, 1-based): chr6:35,456,249, A>G. VCF-style: chr6-35456249-A-G. GRCh37 (hg19) VCF-style: chr6-35424026-A-G.
Other names: c.751A>G, p.Ile251Val (NM_001410876.1); short protein forms I251V.
Identifiers: ClinVar variation 2191800 (VCV002191800.1), dbSNP rs761873746, ClinGen allele CA3771470.

ClinVar aggregate classification (germline): Uncertain significance (1 of 4 stars; one submission).

Conditions:
Fanconi anemia complementation group E (FANCE). Also called: FANCE-Related Fanconi Anemia. Identifiers: Orphanet 84, MedGen C3160739, MONDO:0010953, OMIM 600901.

Allele frequency attached by ClinVar (database versions not stated): TOPMed below 0.00001; gnomAD 0.00001; gnomAD exomes 0.00001; ExAC 0.00002.
gnomAD v4.1: 7 of 1,614,078 alleles (0.00043%); highest among the groups gnomAD compares: Non-Finnish European, 0.00059%; no homozygotes.

Submission:

Labcorp Genetics (formerly Invitae), Labcorp
Classification: Uncertain significance for Fanconi anemia complementation group E. Last evaluated: 2022-08-22. Review status: criteria provided, single submitter. Criteria: Invitae Variant Classification Sherloc (09022015). Collection method: clinical testing. Allele origin: germline.
Comment: This sequence change replaces isoleucine, which is neutral and non-polar, with valine, which is neutral and non-polar, at codon 251 of the FANCE protein (p.Ile251Val). This variant is present in population databases (rs761873746, gnomAD 0.002%). This variant has not been reported in the literature in individuals affected with FANCE-related conditions. Algorithms developed to predict the effect of missense changes on protein structure and function output the following: SIFT: "Tolerated"; PolyPhen-2: "Benign"; Align-GVGD: "Class C0". The valine amino acid residue is found in multiple mammalian species, which suggests that this missense change does not adversely affect protein function. In summary, the available evidence is currently insufficient to determine the role of this variant in disease. Therefore, it has been classified as a Variant of Uncertain Significance.